The following is an entry in ClinVar:

NM_000051.4(ATM):c.6178C>T (p.Arg2060Cys)

Genes: ATM (ATM serine/threonine kinase; plus strand), C11orf65 (chromosome 11 open reading frame 65; minus strand). Cytogenetic location: 11q22.3.
Variant type: single nucleotide variant.
Coding change: c.6178C>T on transcript NM_000051.4 (MANE Select); coding-DNA position 6178, C replaced by T.
Protein change: p.Arg2060Cys; replaces arginine 2060 with cysteine.
Molecular consequence: missense variant. On other transcripts: intron variant (2).
Genome position (GRCh38, 1-based): chr11:108,316,093, C>T. VCF-style: chr11-108316093-C-T. GRCh37 (hg19) VCF-style: chr11-108186820-C-T.
Other names: p.R2060C:CGC>TGC; c.6178C>T, p.Arg2060Cys (NM_001351834.2); c.641-7022G>A (NM_001330368.2); c.*39-7022G>A (NM_001351110.2); short protein forms R2060C.
Identifiers: ClinVar variation 127422 (VCV000127422.40), dbSNP rs587778078, ClinGen allele CA157153.

ClinVar aggregate classification (germline): Uncertain significance. Review status: criteria provided, multiple submitters, no conflicts (2 of 4 stars). 11 submissions from 11 submitters: Uncertain significance (9). 2 of the submissions do not count toward it. Last evaluated 2025-12-04.

Conditions:
ATM-related disorder. Also called: ATM-related disorders; ATM-related condition.
Hereditary cancer-predisposing syndrome. Also called: Neoplastic Syndromes, Hereditary; Hereditary Cancer Syndrome; Tumor predisposition; Hereditary neoplastic syndrome. Identifiers: Orphanet 140162, MedGen C0027672, MeSH D009386, MONDO:0015356.
Familial cancer of breast. Also called: BREAST CANCER, FAMILIAL; hereditary breast carcinoma; Hereditary breast cancer. Identifiers: Orphanet 227535, MedGen C0346153, MONDO:0016419, OMIM 114480. Disease mechanism: loss of function.
Ataxia-telangiectasia syndrome (AT). Also called: Ataxia-telangiectasia, complementation group D; AT, COMPLEMENTATION GROUP C; Ataxia-telangiectasia; ATAXIA-TELANGIECTASIA, COMPLEMENTATION GROUP A; ATAXIA-TELANGIECTASIA, FRESNO VARIANT; Ataxia-telangiectasia, complementation group E. Identifiers: Orphanet 100, MedGen C0004135, MONDO:0008840, OMIM 208900.

Allele frequency attached by ClinVar (database versions not stated): TOPMed 0.00001; ExAC 0.00002.
gnomAD v4.1: 64 of 1,613,924 alleles (0.004%); highest among the groups gnomAD compares: Non-Finnish European, 0.0047%; no homozygotes.

Submissions (11):

Catlab - Consorci Sanitari de Terrassa
Classification: Uncertain significance for Hereditary cancer-predisposing syndrome. Last evaluated: 2025-12-04. Review status: criteria provided, single submitter. Criteria: ClinGen HBOP ACMG Specifications ATM V1.4.0. Collection method: clinical testing. Allele origin: germline.
Comment: Based on the currently available information, this variant is classified as Uncertain Significance according to ClinGen-ATM v1.4.0 guidelines. ACMG criteria: BP4.

Ambry Genetics
Classification: Uncertain significance for Hereditary cancer-predisposing syndrome. Last evaluated: 2025-10-02. Review status: criteria provided, single submitter. Criteria: Ambry Variant Classification Scheme 2023. Collection method: clinical testing. Allele origin: germline.
Comment: The p.R2060C variant (also known as c.6178C>T), located in coding exon 41 of the ATM gene, results from a C to T substitution at nucleotide position 6178. The arginine at codon 2060 is replaced by cysteine, an amino acid with highly dissimilar properties. This amino acid position is highly conserved in available vertebrate species. In addition, the in silico prediction for this alteration is inconclusive. Based on the available evidence, the clinical significance of this variant remains unclear.

PreventionGenetics, part of Exact Sciences
Classification: Uncertain significance for ATM-related condition. Last evaluated: 2025-07-28. Review status: criteria provided, single submitter. Criteria: ACMG Guidelines, 2015. Collection method: clinical testing. Allele origin: germline.
Comment: The ATM c.6178C>T variant is predicted to result in the amino acid substitution p.Arg2060Cys. This variant has been reported in a cohort study of individuals with breast cancer in one case and 1 control individual (Supplemental Table, Breast Cancer Association Consortium et al. 2021. PubMed ID: 33471991T). In addition, this variant has been reported in an individual from a healthy, ancestrally diverse genome sequencing cohort (Table 1, Bodian et al. 2014. PubMed ID: 24728327). This variant is reported in 0.0054% of alleles in individuals of East Asian descent in gnomAD and is interpreted as a variant of uncertain significance in ClinVar (Variation ID: 127422). At this time, the clinical significance of this variant is uncertain due to the absence of conclusive functional and genetic evidence.

Labcorp Genetics (formerly Invitae), Labcorp
Classification: Uncertain significance for Ataxia-telangiectasia syndrome. Last evaluated: 2025-01-20. Review status: criteria provided, single submitter. Criteria: Invitae Variant Classification Sherloc (09022015). Collection method: clinical testing. Allele origin: germline.
Comment: This sequence change replaces arginine, which is basic and polar, with cysteine, which is neutral and slightly polar, at codon 2060 of the ATM protein (p.Arg2060Cys). This variant is present in population databases (rs587778078, gnomAD 0.006%). This variant has not been reported in the literature in individuals affected with ATM-related conditions. ClinVar contains an entry for this variant (Variation ID: 127422). Invitae Evidence Modeling of protein sequence and biophysical properties (such as structural, functional, and spatial information, amino acid conservation, physicochemical variation, residue mobility, and thermodynamic stability) indicates that this missense variant is not expected to disrupt ATM protein function with a negative predictive value of 95%. In summary, the available evidence is currently insufficient to determine the role of this variant in disease. Therefore, it has been classified as a Variant of Uncertain Significance.

GeneDx
Classification: Uncertain significance. Last evaluated: 2024-12-06. Review status: criteria provided, single submitter. Criteria: GeneDx Variant Classification Process June 2021. Collection method: clinical testing. Allele origin: germline. Affected: yes.
Comment: Not observed at significant frequency in large population cohorts (gnomAD); In silico analysis indicates that this missense variant does not alter protein structure/function; Observed in breast cancer case-control studies in both cases and unaffected controls (PMID: 28779002, 33471991); This variant is associated with the following publications: (PMID: 24728327, 27882345, 33471991, 28779002, 23532176)

Color Diagnostics, LLC DBA Color Health
Classification: Uncertain significance for Hereditary cancer-predisposing syndrome. Last evaluated: 2024-08-12. Review status: criteria provided, single submitter. Criteria: ACMG Guidelines, 2015. Collection method: clinical testing. Allele origin: germline.
Comment: This missense variant replaces arginine with cysteine at codon 2060 of the ATM protein. Computational prediction suggests that this variant may not impact protein structure and function. To our knowledge, functional studies have not been reported for this variant. This variant has been reported in an individual affected with breast cancer (PMID: 33471991). This variant has been identified in 5/251296 chromosomes in the general population by the Genome Aggregation Database (gnomAD). The available evidence is insufficient to determine the role of this variant in disease conclusively. Therefore, this variant is classified as a Variant of Uncertain Significance.

Fulgent Genetics
Classification: Uncertain significance for Familial cancer of breast; Ataxia-telangiectasia syndrome. Last evaluated: 2024-05-21. Review status: criteria provided, single submitter. Criteria: ACMG Guidelines, 2015. Collection method: clinical testing. Allele origin: germline.

Baylor Genetics
Classification: Uncertain significance for Familial cancer of breast. Last evaluated: 2023-12-28. Review status: criteria provided, single submitter. Criteria: ACMG Guidelines, 2015. Collection method: clinical testing. Allele origin: unknown.

Sema4
Classification: Uncertain significance for Hereditary cancer-predisposing syndrome. Last evaluated: 2021-10-08. Review status: criteria provided, single submitter. Criteria: Sema4 Curation Guidelines. Collection method: curation. Allele origin: germline.
Comment: The ATM c.6178C>T (p.R2060C) variant has been reported in heterozygosity in at least one individual with breast cancer (PMID: 33471991). However, it has also been reported in healthy individuals (PMID: 33471991, 24728327). This variant was observed in 1/18364 chromosomes in the East Asian population according to the Genome Aggregation Database (PMID: 32461654), and has been reported in ClinVar (Variation ID: 127422). Functional studies have not been performed, and in silico predictions of the variant's effect on protein function are inconclusive. Based on the current evidence available, this variant is interpreted as a variant of uncertain significance.

Natera, Inc.
Classification: Uncertain significance for Ataxia-telangiectasia. Last evaluated: 2020-07-28. Review status: no assertion criteria provided. Collection method: clinical testing. Allele origin: germline. Not counted in ClinVar's aggregate classification.

ITMI
No classification provided. Condition: AllHighlyPenetrant. Last evaluated: 2013-09-19. Review status: no classification provided. Collection method: reference population. Allele origin: germline. Not counted in ClinVar's aggregate classification.
Comment: Please see associated publication for description of ethnicities

Literature cited by the submitters: PubMed 33471991 (cited by Color Diagnostics, LLC DBA Color Health and Sema4); PubMed 24728327 (cited by Sema4 and ITMI).